The following is an entry in ClinVar:

NM_000124.4(ERCC6):c.649G>A (p.Ala217Thr)

Gene: ERCC6 (ERCC excision repair 6, chromatin remodeling factor; minus strand). Cytogenetic location: 10q11.23.
Variant type: single nucleotide variant.
Coding change: c.649G>A on transcript NM_000124.4 (MANE Select); coding-DNA position 649, G replaced by A.
Protein change: p.Ala217Thr; replaces alanine 217 with threonine.
Molecular consequence: missense variant.
Genome position (GRCh38, 1-based): chr10:49,528,420, C>T on the plus strand (G>A on the coding strand, the complement: ERCC6 is on the minus strand). VCF-style: chr10-49528420-C-T. GRCh37 (hg19) VCF-style: chr10-50736466-C-T.
Other names: c.649G>A, p.Ala217Thr (NM_001277058.2, NM_001277059.2, NM_001346440.2); short protein forms A217T.
Identifiers: ClinVar variation 2119007 (VCV002119007.4), dbSNP rs2496158506, ClinGen allele CA376709011.

ClinVar aggregate classification (germline): Uncertain significance (1 of 4 stars; one submission).

Submission:

Labcorp Genetics (formerly Invitae), Labcorp
Classification: Uncertain significance. Last evaluated: 2022-03-28. Review status: criteria provided, single submitter. Criteria: Invitae Variant Classification Sherloc (09022015). Collection method: clinical testing. Allele origin: germline.
Comment: This sequence change replaces alanine, which is neutral and non-polar, with threonine, which is neutral and polar, at codon 217 of the ERCC6 protein (p.Ala217Thr). This variant is not present in population databases (gnomAD no frequency). This variant has not been reported in the literature in individuals affected with ERCC6-related conditions. Algorithms developed to predict the effect of missense changes on protein structure and function output the following: SIFT: "Tolerated"; PolyPhen-2: "Benign"; Align-GVGD: "Class C0". The threonine amino acid residue is found in multiple mammalian species, which suggests that this missense change does not adversely affect protein function. In summary, the available evidence is currently insufficient to determine the role of this variant in disease. Therefore, it has been classified as a Variant of Uncertain Significance.